The following is an entry in ClinVar:

NM_006245.4(PPP2R5D):c.1283A>G (p.Asn428Ser)

Gene: PPP2R5D (protein phosphatase 2 regulatory subunit B'delta; plus strand). Cytogenetic location: 6p21.1.
Variant type: single nucleotide variant.
Coding change: c.1283A>G on transcript NM_006245.4 (MANE Select); coding-DNA position 1283, A replaced by G.
Protein change: p.Asn428Ser; replaces asparagine 428 with serine.
Molecular consequence: missense variant.
Genome position (GRCh38, 1-based): chr6:43,009,353, A>G. VCF-style: chr6-43009353-A-G. GRCh37 (hg19) VCF-style: chr6-42977091-A-G.
Other names: c.830A>G, p.Asn277Ser (NM_001270476.2); c.1187A>G, p.Asn396Ser (NM_180976.3); c.965A>G, p.Asn322Ser (NM_180977.3); short protein forms N277S, N322S, N396S, N428S.
Identifiers: ClinVar variation 2429723 (VCV002429723.1), dbSNP rs2532485145, ClinGen allele CA364194408.
Genomic context (GRCh38, chr6:43,009,353, plus strand): 5'-CACCCACCGAGTCTGCCTCTCCCCACCAGGTGGCAGAGCGTGCTCTCTATTACTGGAACA[A>G]TGAGTACATCATGAGCCTGATAAGTGACAATGCTGCCCGAGTCCTCCCCATCATGTTCCC-3'
Protein context (NP_006236.1, residues 418-438): VAERALYYWN[Asn428Ser]EYIMSLISDN

ClinVar aggregate classification (germline): Uncertain significance (1 of 4 stars; one submission).

Submission:

GeneDx
Classification: Uncertain significance. Last evaluated: 2022-08-08. Review status: criteria provided, single submitter. Criteria: GeneDx Variant Classification Process June 2021. Collection method: clinical testing. Allele origin: germline. Affected: yes.
Comment: Not observed at significant frequency in large population cohorts (gnomAD); In silico analysis supports that this missense variant has a deleterious effect on protein structure/function; Has not been previously published as pathogenic or benign to our knowledge